The following is an entry in ClinVar:

ClinVar aggregate classification (germline): Uncertain significance (1 of 4 stars; one submission).

gnomAD v4.1: 4 of 1,522,198 alleles (0.00026%); highest among the groups gnomAD compares: Non-Finnish European, 0.00026%; no homozygotes.

Submission:

Mayo Clinic Laboratories, Mayo Clinic
Classification: Uncertain significance. Last evaluated: 2023-10-13. Review status: criteria provided, single submitter. Criteria: ACMG Guidelines, 2015. Collection method: clinical testing. Allele origin: germline. Observed: 1 variant allele.
Comment: PM2_moderate

NM_000140.5(FECH):c.53T>C (p.Leu18Pro)

Genes: FECH (ferrochelatase; minus strand), LOC130062560 (ATAC-STARR-seq lymphoblastoid silent region 9481; plus strand). Cytogenetic location: 18q21.31.
Variant type: single nucleotide variant.
Coding change: c.53T>C on transcript NM_000140.5 (MANE Select); coding-DNA position 53, T replaced by C.
Protein change: p.Leu18Pro; replaces leucine 18 with proline.
Molecular consequence: missense variant. On other transcripts: 5 prime UTR variant (1).
Genome position (GRCh38, 1-based): chr18:57,586,568, A>G on the plus strand (T>C on the coding strand, the complement: FECH is on the minus strand). VCF-style: chr18-57586568-A-G. GRCh37 (hg19) VCF-style: chr18-55253800-A-G.
Other names: p.Leu18Pro; c.53T>C, p.Leu18Pro (NM_001012515.4, NM_001371094.1, NM_001374778.1); c.-274T>C (NM_001371095.1); short protein forms L18P.
Identifiers: ClinVar variation 3380545 (VCV003380545.1).
Genomic context (GRCh38, chr18:57,586,568, plus strand): 5'-TCTCAGGGATCCTGGCCCTGGCGGCCGCCGCGACAGACCCACTTACGCGGATCGCGGAGC[A>G]GGACGCCCGCGGCGCGCAGGGCCGCAGCCATGTTTGCGCCGAGTGAACGCATTGCCTGGG-3'
Protein context (NP_000131.2, residues 8-28): MAAALRAAGV[Leu18Pro]LRDPLASSSW